The following is an entry in ClinVar:

ClinVar aggregate classification (germline): Conflicting classifications of pathogenicity. Review status: criteria provided, conflicting classifications (1 of 4 stars). 5 submissions from 5 submitters: Likely pathogenic (1); Uncertain significance (2). 2 of the submissions do not count toward it. Last evaluated 2024-06-16.

Conditions:
Bailey-Bloch congenital myopathy (CMYO13). Also called: Native American myopathy; Congenital myopathy 13; STAC3 disorder. Identifiers: Orphanet 168572, MedGen C1850625, MONDO:0009722, OMIM 255995.

Allele frequency attached by ClinVar (database versions not stated): gnomAD exomes below 0.00001; ExAC 0.00001.
gnomAD v4.1: 5 of 1,612,436 alleles (0.00031%); highest among the groups gnomAD compares: Non-Finnish European, 0.00034%; no homozygotes.

Submissions (5):

3billion
Classification: Likely pathogenic for Bailey-Bloch congenital myopathy. Last evaluated: 2024-06-16. Review status: criteria provided, single submitter. Criteria: ACMG Guidelines, 2015. Collection method: clinical testing. Allele origin: germline. Affected: yes.
Comment: The variant is observed at an extremely low frequency in the gnomAD v4.0.0 dataset (total allele frequency: <0.001%). Predicted Consequence/Location: Intron variant The variant has been reported to be associated with STAC3-related disorder (PMID: 28411587). Therefore, this variant is classified as Likely pathogenic according to the recommendation of ACMG/AMP guideline.

Labcorp Genetics (formerly Invitae), Labcorp
Classification: Uncertain significance for Bailey-Bloch congenital myopathy. Last evaluated: 2022-04-16. Review status: criteria provided, single submitter. Criteria: Invitae Variant Classification Sherloc (09022015). Collection method: clinical testing. Allele origin: germline.
Comment: This variant is present in population databases (rs751033943, gnomAD 0.0009%). In summary, the available evidence is currently insufficient to determine the role of this variant in disease. Therefore, it has been classified as a Variant of Uncertain Significance. Variants that disrupt the consensus splice site are a relatively common cause of aberrant splicing (PMID: 17576681, 9536098). Algorithms developed to predict the effect of sequence changes on RNA splicing suggest that this variant may disrupt the consensus splice site. ClinVar contains an entry for this variant (Variation ID: 425008). This variant has been observed in individual(s) with clinical features of STAC3-related conditions (PMID: 28411587). In at least one individual the data is consistent with being in trans (on the opposite chromosome) from a pathogenic variant. This sequence change falls in intron 4 of the STAC3 gene. It does not directly change the encoded amino acid sequence of the STAC3 protein. It affects a nucleotide within the consensus splice site.

CeGaT Center for Human Genetics Tuebingen
Classification: Uncertain significance. Last evaluated: 2016-05-01. Review status: criteria provided, single submitter. Criteria: CeGaT Center For Human Genetics Tuebingen Variant Classification Criteria Version 2. Collection method: clinical testing. Allele origin: germline. Affected: yes. Observed: 1 variant allele.

OMIM
Classification: Pathogenic for CONGENITAL MYOPATHY 13. Last evaluated: 2024-07-16. Review status: no assertion criteria provided. Collection method: literature only. Allele origin: germline. Not counted in ClinVar's aggregate classification.

GeneReviews
No classification provided. Condition: Bailey-Bloch congenital myopathy. Review status: no classification provided. Collection method: literature only. Allele origin: germline. Not counted in ClinVar's aggregate classification.

Literature cited by the submitters: PubMed 28411587 (cited by 4 submitters); PubMed 17576681 (cited by Labcorp Genetics (formerly Invitae), Labcorp); PubMed 9536098 (cited by Labcorp Genetics (formerly Invitae), Labcorp); PubMed 31219695 (cited by GeneReviews).

NM_145064.3(STAC3):c.432+4A>T

Gene: STAC3 (SH3 and cysteine rich domain 3; minus strand). Cytogenetic location: 12q13.3.
Variant type: single nucleotide variant.
Coding change: c.432+4A>T on transcript NM_145064.3 (MANE Select); 4 bases into the intron after coding-DNA position 432, A replaced by T.
Molecular consequence: intron variant.
Genome position (GRCh38, 1-based): chr12:57,248,702, T>A on the plus strand (A>T on the coding strand, the complement: STAC3 is on the minus strand). VCF-style: chr12-57248702-T-A. GRCh37 (hg19) VCF-style: chr12-57642485-T-A.
Other names: IVS4DS, A-T, +4; c.-126-504A>T (NM_001286257.2); c.315+4A>T (NM_001286256.2).
Identifiers: ClinVar variation 425008 (VCV000425008.51), dbSNP rs751033943, ClinGen allele CA6647150.